The following is an entry in ClinVar:

NM_001141980.3(TP53BP1):c.895T>C (p.Ser299Pro)

Gene: TP53BP1 (tumor protein p53 binding protein 1; minus strand). Cytogenetic location: 15q15.3.
Variant type: single nucleotide variant.
Coding change: c.895T>C on transcript NM_001141980.3 (MANE Select); coding-DNA position 895, T replaced by C.
Protein change: p.Ser299Pro; replaces serine 299 with proline.
Molecular consequence: missense variant. On other transcripts: 5 prime UTR variant (1).
Genome position (GRCh38, 1-based): chr15:43,477,653, A>G on the plus strand (T>C on the coding strand, the complement: TP53BP1 is on the minus strand). VCF-style: chr15-43477653-A-G. GRCh37 (hg19) VCF-style: chr15-43769851-A-G.
Other names: c.895T>C, p.Ser299Pro (NM_001141979.3); c.-2135T>C (NM_001355001.2); c.880T>C, p.Ser294Pro (NM_005657.4); short protein forms S299P, S294P.
Identifiers: ClinVar variation 779359 (VCV000779359.12), dbSNP rs61751060, ClinGen allele CA7525542.

ClinVar aggregate classification (germline): Benign/Likely benign. Review status: criteria provided, multiple submitters, no conflicts (2 of 4 stars). 4 submissions from 4 submitters: Benign (3); Likely benign (1). Last evaluated 2025-08-18.

Allele frequency attached by ClinVar (database versions not stated): 1000 Genomes Project 30x 0.00312; 1000 Genomes Project 0.00319; gnomAD 0.00456 and 0.00484; TOPMed 0.00473; gnomAD exomes 0.00618 and 0.00702; ESP Exome Variant Server 0.00639; ExAC 0.00641.

Submissions (4):

Genomic Medicine Center of Excellence, King Faisal Specialist Hospital and Research Centre
Classification: Likely benign. Last evaluated: 2025-08-18. Review status: criteria provided, single submitter. Criteria: ACMG Guidelines, 2015. Collection method: clinical testing. Allele origin: germline.

CeGaT Center for Human Genetics Tuebingen
Classification: Benign. Last evaluated: 2025-03-01. Review status: criteria provided, single submitter. Criteria: CeGaT Center For Human Genetics Tuebingen Variant Classification Criteria Version 2. Collection method: clinical testing. Allele origin: germline. Affected: yes. Observed: 1 variant allele.
Comment: TP53BP1: BP4, BS1, BS2

Labcorp Genetics (formerly Invitae), Labcorp
Classification: Benign. Last evaluated: 2018-08-05. Review status: criteria provided, single submitter. Criteria: Invitae Variant Classification Sherloc (09022015). Collection method: clinical testing. Allele origin: germline.

Breakthrough Genomics
Classification: Benign. Review status: criteria provided, single submitter. Criteria: ACMG Guidelines, 2015. Collection method: not provided. Allele origin: germline. Inheritance: Unknown mechanism. Affected: yes.